The following is an entry in ClinVar:

ClinVar aggregate classification (germline): Uncertain significance (1 of 4 stars; one submission).

Submission:

GeneDx
Classification: Uncertain significance. Last evaluated: 2024-06-13. Review status: criteria provided, single submitter. Criteria: GeneDx Variant Classification Process June 2021. Collection method: clinical testing. Allele origin: germline. Affected: yes.
Comment: Not observed at significant frequency in large population cohorts (gnomAD); In silico analysis supports that this missense variant has a deleterious effect on protein structure/function; Has not been previously published as pathogenic or benign to our knowledge

NM_018896.5(CACNA1G):c.506T>G (p.Leu169Arg)

Gene: CACNA1G (calcium voltage-gated channel subunit alpha1 G; plus strand). Cytogenetic location: 17q21.33.
Variant type: single nucleotide variant.
Coding change: c.506T>G on transcript NM_018896.5 (MANE Select); coding-DNA position 506, T replaced by G.
Protein change: p.Leu169Arg; replaces leucine 169 with arginine.
Molecular consequence: missense variant. On other transcripts: non-coding transcript variant (5).
Genome position (GRCh38, 1-based): chr17:50,569,723, T>G. VCF-style: chr17-50569723-T-G. GRCh37 (hg19) VCF-style: chr17-48647084-T-G.
Other names: c.506T>G, p.Leu169Arg (NM_001256324.2, NM_001256325.2, NM_001256326.2 and 24 more transcripts); short protein forms L169R.
Identifiers: ClinVar variation 3390459 (VCV003390459.1).